The following is an entry in ClinVar:

ClinVar aggregate classification (germline): Uncertain significance (1 of 4 stars; one submission).

Submission:

Labcorp Genetics (formerly Invitae), Labcorp
Classification: Uncertain significance. Last evaluated: 2022-09-07. Review status: criteria provided, single submitter. Criteria: Invitae Variant Classification Sherloc (09022015). Collection method: clinical testing. Allele origin: germline.
Comment: Algorithms developed to predict the effect of missense changes on protein structure and function are either unavailable or do not agree on the potential impact of this missense change (SIFT: "Deleterious"; PolyPhen-2: "Possibly Damaging"; Align-GVGD: "Class C0"). In summary, the available evidence is currently insufficient to determine the role of this variant in disease. Therefore, it has been classified as a Variant of Uncertain Significance. ClinVar contains an entry for this variant (Variation ID: 1490870). This sequence change replaces lysine, which is basic and polar, with glutamine, which is neutral and polar, at codon 6 of the RCBTB1 protein (p.Lys6Gln). This variant is not present in population databases (gnomAD no frequency). This variant has not been reported in the literature in individuals affected with RCBTB1-related conditions.

NM_018191.4(RCBTB1):c.16A>C (p.Lys6Gln)

Gene: RCBTB1 (RCC1 and BTB domain containing protein 1; minus strand). Cytogenetic location: 13q14.2.
Variant type: single nucleotide variant.
Coding change: c.16A>C on transcript NM_018191.4 (MANE Select); coding-DNA position 16, A replaced by C.
Protein change: p.Lys6Gln; replaces lysine 6 with glutamine.
Molecular consequence: missense variant. On other transcripts: 5 prime UTR variant (1), non-coding transcript variant (2).
Genome position (GRCh38, 1-based): chr13:49,567,264, T>G on the plus strand (A>C on the coding strand, the complement: RCBTB1 is on the minus strand). VCF-style: chr13-49567264-T-G. GRCh37 (hg19) VCF-style: chr13-50141400-T-G.
Other names: c.16A>C, p.Lys6Gln (NM_001352500.2, NM_001352501.2, NM_001352502.2 and 3 more transcripts); c.-594A>C (NM_001352506.2); short protein forms K6Q.
Identifiers: ClinVar variation 1490870 (VCV001490870.6), dbSNP rs2137321330, ClinGen allele CA388196134.
Genomic context (GRCh38, chr13:49,567,264, plus strand): 5'-CACACGCCTTCCGAATAGACGCGATCTCTTGAGGGGAGAGTAGAGTGAAGATGGGCCACT[T>G]TCCGACATCCACCATGACTCTGGCTTCAAGCAATTCCTATAAATAAGCCGACATCTCTGC-3'
Protein context (NP_060661.3, residues 1-16): MVDVG[Lys6Gln]WPIFTLLSPQ